The following is an entry in ClinVar:

NM_003400.4(XPO1):c.1887+1G>T

Gene: XPO1 (exportin 1; minus strand). Cytogenetic location: 2p15.
Variant type: single nucleotide variant.
Coding change: c.1887+1G>T on transcript NM_003400.4 (MANE Select); the canonical splice donor site of the intron after coding-DNA position 1887, G replaced by T.
Molecular consequence: splice donor variant.
Genome position (GRCh38, 1-based): chr2:61,492,034, C>A on the plus strand (G>T on the coding strand, the complement: XPO1 is on the minus strand). VCF-style: chr2-61492034-C-A. GRCh37 (hg19) VCF-style: chr2-61719169-C-A.
Other names: c.1887+1G>T (NM_001410799.1).
Identifiers: ClinVar variation 4073411 (VCV004073411.1).

ClinVar aggregate classification (germline): Pathogenic (1 of 4 stars; one submission).

Conditions:
XPO1-associated Neurodevelopmental Disorder.

Submission:

Genome Diagnostics Laboratory, University Medical Center Utrecht
Classification: Pathogenic for XPO1-associated Neurodevelopmental Disorder. Last evaluated: 2025-07-21. Review status: criteria provided, single submitter. Criteria: ACMG Guidelines, 2015. Collection method: research. Allele origin: germline. Affected: yes.
Comment: ACMG/AMP (Richards et al, 2015): PVS1, PS2, PM2